The following is an entry in ClinVar:

NM_000045.4(ARG1):c.230G>A (p.Ser77Asn)

Genes: ARG1 (arginase 1; plus strand), MED23 (mediator complex subunit 23; minus strand). Cytogenetic location: 6q23.2.
Variant type: single nucleotide variant.
Coding change: c.230G>A on transcript NM_000045.4 (MANE Select); coding-DNA position 230, G replaced by A.
Protein change: p.Ser77Asn; replaces serine 77 with asparagine.
Molecular consequence: missense variant. On other transcripts: non-coding transcript variant (1), intron variant (2).
Genome position (GRCh38, 1-based): chr6:131,579,210, G>A. VCF-style: chr6-131579210-G-A. GRCh37 (hg19) VCF-style: chr6-131900350-G-A.
Other names: c.254G>A, p.Ser85Asn (NM_001244438.2); c.230G>A, p.Ser77Asn (NM_001369020.1); c.4078-4915C>T (NM_001270521.2); c.4096-4915C>T (NM_015979.4); short protein forms S77N, S85N.
Identifiers: ClinVar variation 1056753 (VCV001056753.7), dbSNP rs1296916689, ClinGen allele CA365650619.

ClinVar aggregate classification (germline): Conflicting classifications of pathogenicity. Review status: criteria provided, conflicting classifications (1 of 4 stars). 2 submissions from 2 submitters: Uncertain significance (1); Likely benign (1). Last evaluated 2025-10-29.

Conditions:
Inborn genetic diseases. Identifiers: MedGen C0950123, MeSH D030342.
Arginase deficiency. Also called: ARGININEMIA; ARG1 DEFICIENCY; Arginase 1 Deficiency. Identifiers: Orphanet 90, MedGen C0268548, MONDO:0008814, OMIM 207800.

Allele frequency attached by ClinVar (database versions not stated): gnomAD exomes 0.00001 and below 0.00001; TOPMed below 0.00001; gnomAD 0.00001.
gnomAD v4.1: 14 of 1,614,024 alleles (0.00087%); highest among the groups gnomAD compares: Non-Finnish European, 0.0011%; no homozygotes.

Submissions (2):

Ambry Genetics
Classification: Likely benign for Inborn genetic diseases. Last evaluated: 2025-10-29. Review status: criteria provided, single submitter. Criteria: Ambry Variant Classification Scheme 2023. Collection method: clinical testing. Allele origin: germline.

Labcorp Genetics (formerly Invitae), Labcorp
Classification: Uncertain significance for Arginase deficiency. Last evaluated: 2021-12-31. Review status: criteria provided, single submitter. Criteria: Invitae Variant Classification Sherloc (09022015). Collection method: clinical testing. Allele origin: germline.
Comment: This sequence change replaces serine, which is neutral and polar, with asparagine, which is neutral and polar, at codon 77 of the ARG1 protein (p.Ser77Asn). This variant is present in population databases (no rsID available, gnomAD 0.002%). This variant has not been reported in the literature in individuals affected with ARG1-related conditions. ClinVar contains an entry for this variant (Variation ID: 1056753). Algorithms developed to predict the effect of missense changes on protein structure and function output the following: SIFT: "Tolerated"; PolyPhen-2: "Benign"; Align-GVGD: "Class C0". The asparagine amino acid residue is found in multiple mammalian species, which suggests that this missense change does not adversely affect protein function. In summary, the available evidence is currently insufficient to determine the role of this variant in disease. Therefore, it has been classified as a Variant of Uncertain Significance.